The following is an entry in ClinVar:

NM_153700.2(STRC):c.4837G>T (p.Glu1613Ter)

Gene: STRC (stereocilin; minus strand). Cytogenetic location: 15q15.3.
Variant type: single nucleotide variant.
Coding change: c.4837G>T on transcript NM_153700.2 (MANE Select); coding-DNA position 4837, G replaced by T.
Protein change: p.Glu1613Ter; replaces glutamic acid 1613 with a stop codon.
Molecular consequence: nonsense.
Genome position (GRCh38, 1-based): chr15:43,600,879, C>A on the plus strand (G>T on the coding strand, the complement: STRC is on the minus strand). VCF-style: chr15-43600879-C-A. GRCh37 (hg19) VCF-style: chr15-43893077-C-A.
Other names: short protein forms E1613*.
Identifiers: ClinVar variation 499237 (VCV000499237.15), dbSNP rs769443188, ClinGen allele CA392162555.

ClinVar aggregate classification (germline): Pathogenic. Review status: criteria provided, multiple submitters, no conflicts (2 of 4 stars). 7 submissions from 7 submitters: Pathogenic (5). 2 of the submissions do not count toward it. Last evaluated 2026-05-27.

Conditions:
STRC-related disorder. Also called: STRC-related condition.
Autosomal recessive nonsyndromic hearing loss 16. Also called: DFNB16 Nonsyndromic Hearing Loss and Deafness; DEAFNESS, AUTOSOMAL RECESSIVE 16. Identifiers: Orphanet 90636, MedGen C1863561, MONDO:0011364, OMIM 603720.

Allele frequency attached by ClinVar (database versions not stated): gnomAD 0.00001; TOPMed 0.00003.
gnomAD v4.1: 32 of 1,613,200 alleles (0.002%); highest among the groups gnomAD compares: Admixed American, 0.0083%; no homozygotes.

Submissions (7):

PreventionGenetics, part of Exact Sciences
Classification: Pathogenic for STRC-related condition. Last evaluated: 2026-05-27. Review status: criteria provided, single submitter. Criteria: ACMG Guidelines, 2015. Collection method: clinical testing. Allele origin: germline.
Comment: The STRC c.4837G>T variant is predicted to result in premature protein termination (p.Glu1613*). This variant was reported in the homozygous state and the compound heterozygous states in patients with hearing loss (Schrauwen et al. 2013. PubMed ID: 23208854; Table S2, Perry et al. 2022. PubMed ID: 36515421). This variant is reported in 0.0087% of alleles in individuals of Latino descent in gnomAD. Nonsense variants in STRC are expected to be pathogenic. This variant is interpreted as pathogenic.

Blueprint Genetics
Classification: Pathogenic for STRC-related disorders. Last evaluated: 2024-05-22. Review status: criteria provided, single submitter. Criteria: ACMG Guidelines, 2015. Collection method: clinical testing. Allele origin: germline. Affected: yes. Observed: 5 variant alleles.

Center of Genomic medicine, Geneva, University Hospital of Geneva
Classification: Pathogenic for Autosomal recessive nonsyndromic hearing loss 16. Last evaluated: 2020-09-07. Review status: criteria provided, single submitter. Criteria: ACMG Guidelines, 2015. Collection method: clinical testing. Allele origin: paternal. Affected: yes. Observed: 1 variant allele.

Eurofins Ntd Llc (ga)
Classification: Pathogenic. Last evaluated: 2017-01-19. Review status: criteria provided, single submitter. Criteria: EGL Classification Definitions 2015. Collection method: clinical testing. Allele origin: germline. Observed: 1 variant allele, 1 heterozygote.

Genome-Nilou Lab
Classification: Pathogenic for Autosomal recessive nonsyndromic hearing loss 16. Review status: criteria provided, single submitter. Criteria: ACMG Guidelines, 2015. Collection method: clinical testing. Allele origin: germline.

Clinical Genetics DNA and cytogenetics Diagnostics Lab, Erasmus MC, Erasmus Medical Center
Classification: Pathogenic. Review status: no assertion criteria provided. Collection method: clinical testing. Allele origin: germline. Affected: yes. Study: VKGL Data-share Consensus. Not counted in ClinVar's aggregate classification.

Joint Genome Diagnostic Labs from Nijmegen and Maastricht, Radboudumc and MUMC+
Classification: Pathogenic. Review status: no assertion criteria provided. Collection method: clinical testing. Allele origin: germline. Affected: yes. Study: VKGL Data-share Consensus. Not counted in ClinVar's aggregate classification.